The following is an entry in ClinVar:

ClinVar aggregate classification (germline): Likely benign (1 of 4 stars; one submission).

Allele frequency attached by ClinVar (database versions not stated): 1000 Genomes Project 0.00140; 1000 Genomes Project 30x 0.00172.

Submission:

CeGaT Center for Human Genetics Tuebingen
Classification: Likely benign. Last evaluated: 2026-06-01. Review status: criteria provided, single submitter. Criteria: CeGaT Center For Human Genetics Tuebingen Variant Classification Criteria Version 2. Collection method: clinical testing. Allele origin: germline. Affected: yes. Observed: 4 variant alleles.
Comment: EMILIN1: BS1

NM_007046.4(EMILIN1):c.1172C>A (p.Ala391Glu)

Gene: EMILIN1 (elastin microfibril interfacer 1; plus strand). Cytogenetic location: 2p23.3.
Variant type: single nucleotide variant.
Coding change: c.1172C>A on transcript NM_007046.4 (MANE Select); coding-DNA position 1172, C replaced by A.
Protein change: p.Ala391Glu; replaces alanine 391 with glutamic acid.
Molecular consequence: missense variant.
Genome position (GRCh38, 1-based): chr2:27,082,743, C>A. VCF-style: chr2-27082743-C-A. GRCh37 (hg19) VCF-style: chr2-27305611-C-A.
Other names: short protein forms A391E.
Identifiers: ClinVar variation 2650761 (VCV002650761.24), dbSNP rs200400927, ClinGen allele CA1568648.